The following is an entry in ClinVar:

NM_001111.5(ADAR):c.3233G>C (p.Arg1078Pro)

Gene: ADAR (adenosine deaminase RNA specific; minus strand). Cytogenetic location: 1q21.3.
Variant type: single nucleotide variant.
Coding change: c.3233G>C on transcript NM_001111.5 (MANE Select); coding-DNA position 3233, G replaced by C.
Protein change: p.Arg1078Pro; replaces arginine 1078 with proline.
Molecular consequence: missense variant.
Genome position (GRCh38, 1-based): chr1:154,585,835, C>G on the plus strand (G>C on the coding strand, the complement: ADAR is on the minus strand). VCF-style: chr1-154585835-C-G. GRCh37 (hg19) VCF-style: chr1-154558311-C-G.
Other names: c.2348G>C, p.Arg783Pro (NM_001193495.2, NM_001365046.1, NM_001365047.1 and 2 more transcripts); c.3260G>C, p.Arg1087Pro (NM_001365045.1); c.2270G>C, p.Arg757Pro (NM_001365049.1); c.3155G>C, p.Arg1052Pro (NM_015840.4); c.3098G>C, p.Arg1033Pro (NM_015841.4); short protein forms R1052P, R757P, R1033P, R1078P, R783P, R1087P.
Identifiers: ClinVar variation 1916204 (VCV001916204.5), dbSNP rs1185518625, ClinGen allele CA342635429.

ClinVar aggregate classification (germline): Uncertain significance (1 of 4 stars; one submission).

Conditions:
Symmetrical dyschromatosis of extremities (DSH). Also called: DYSCHROMATOSIS SYMMETRICA HEREDITARIA 1; Dyschromatosis symmetrica hereditaria; RETICULATE ACROPIGMENTATION OF DOHI; SYMMETRIC DYSCHROMATOSIS OF THE EXTREMITIES. Identifiers: Orphanet 41, MedGen C0406775, MONDO:0007483, OMIM 127400.
Aicardi-Goutieres syndrome 6 (AGS6). Identifiers: Orphanet 51, MedGen C3539013, MONDO:0014007, OMIM 615010.

gnomAD v4.1: 1 of 1,614,050 alleles (0.000062%); highest among the groups gnomAD compares: Non-Finnish European, 0.000085%; no homozygotes.

Submission:

Labcorp Genetics (formerly Invitae), Labcorp
Classification: Uncertain significance for Aicardi-Goutieres syndrome 6; Symmetrical dyschromatosis of extremities. Last evaluated: 2022-04-04. Review status: criteria provided, single submitter. Criteria: Invitae Variant Classification Sherloc (09022015). Collection method: clinical testing. Allele origin: germline.
Comment: In summary, the available evidence is currently insufficient to determine the role of this variant in disease. Therefore, it has been classified as a Variant of Uncertain Significance. This variant disrupts the p.Arg1078 (also known as p.Arg1074) amino acid residue in ADAR. Other variant(s) that disrupt this residue have been determined to be pathogenic (PMID: 15489923, 28502085). This suggests that this residue is clinically significant, and that variants that disrupt this residue are likely to be disease-causing. Algorithms developed to predict the effect of missense changes on protein structure and function are either unavailable or do not agree on the potential impact of this missense change (SIFT: "Deleterious"; PolyPhen-2: "Probably Damaging"; Align-GVGD: "Class C15"). This missense change has been observed in individual(s) with clinical features of dyschromatosis symmetrica hereditaria (PMID: 31423758). This variant is not present in population databases (gnomAD no frequency). This sequence change replaces arginine, which is basic and polar, with proline, which is neutral and non-polar, at codon 1078 of the ADAR protein (p.Arg1078Pro).

Literature cited by the submitters: PubMed 15489923; PubMed 28502085; PubMed 31423758.